The following is an entry in ClinVar:

NM_000179.3(MSH6):c.3180A>C (p.Leu1060Phe)

Gene: MSH6 (mutS homolog 6; plus strand). Cytogenetic location: 2p16.3.
Variant type: single nucleotide variant.
Coding change: c.3180A>C on transcript NM_000179.3 (MANE Select); coding-DNA position 3180, A replaced by C.
Protein change: p.Leu1060Phe; replaces leucine 1060 with phenylalanine.
Molecular consequence: missense variant.
Genome position (GRCh38, 1-based): chr2:47,803,427, A>C. VCF-style: chr2-47803427-A-C. GRCh37 (hg19) VCF-style: chr2-48030566-A-C.
Other names: c.2790A>C, p.Leu930Phe (NM_001281492.2); c.2274A>C, p.Leu758Phe (NM_001281493.2, NM_001281494.2); short protein forms L1060F, L930F, L758F.
Identifiers: ClinVar variation 486908 (VCV000486908.16), dbSNP rs1553331248, ClinGen allele CA346757826.

ClinVar aggregate classification (germline): Uncertain significance. Review status: criteria provided, multiple submitters, no conflicts (2 of 4 stars). 2 submissions from 2 submitters: Uncertain significance (2). Last evaluated 2024-06-02.

Conditions:
Hereditary nonpolyposis colorectal neoplasms. Identifiers: MedGen C0009405, MeSH D003123.
Hereditary cancer-predisposing syndrome. Also called: Tumor predisposition; Hereditary Cancer Syndrome; Hereditary neoplastic syndrome; Neoplastic Syndromes, Hereditary. Identifiers: Orphanet 140162, MedGen C0027672, MeSH D009386, MONDO:0015356.

Allele frequency attached by ClinVar (database versions not stated): gnomAD exomes below 0.00001.
gnomAD v4.1: 1 of 1,614,122 alleles (0.000062%); highest among the groups gnomAD compares: African/African-American, 0.0013%; no homozygotes.

Submissions (2):

Labcorp Genetics (formerly Invitae), Labcorp
Classification: Uncertain significance for Hereditary nonpolyposis colorectal neoplasms. Last evaluated: 2024-06-02. Review status: criteria provided, single submitter. Criteria: Invitae Variant Classification Sherloc (09022015). Collection method: clinical testing. Allele origin: germline.
Comment: This sequence change replaces leucine, which is neutral and non-polar, with phenylalanine, which is neutral and non-polar, at codon 1060 of the MSH6 protein (p.Leu1060Phe). This variant is not present in population databases (gnomAD no frequency). This variant has not been reported in the literature in individuals affected with MSH6-related conditions. ClinVar contains an entry for this variant (Variation ID: 486908). Advanced modeling of protein sequence and biophysical properties (such as structural, functional, and spatial information, amino acid conservation, physicochemical variation, residue mobility, and thermodynamic stability) has been performed at Invitae for this missense variant, however the output from this modeling did not meet the statistical confidence thresholds required to predict the impact of this variant on MSH6 protein function. In summary, the available evidence is currently insufficient to determine the role of this variant in disease. Therefore, it has been classified as a Variant of Uncertain Significance.

Ambry Genetics
Classification: Uncertain significance for Hereditary cancer-predisposing syndrome. Last evaluated: 2017-02-22. Review status: criteria provided, single submitter. Criteria: Ambry Variant Classification Scheme 2023. Collection method: clinical testing. Allele origin: germline.
Comment: The p.L1060F variant (also known as c.3180A>C), located in coding exon 5 of the MSH6 gene, results from an A to C substitution at nucleotide position 3180. The leucine at codon 1060 is replaced by phenylalanine, an amino acid with highly similar properties. This amino acid position is highly conserved in available vertebrate species. In addition, this alteration is predicted to be deleterious by in silico analysis. In addition, the CoDP in silico tool predicts this alteration is likely to impair molecular function, with a score of 0.980 (Terui H et al. J. Biomed. Sci. 2013 Apr;20:25). Since supporting evidence is limited at this time, the clinical significance of this alteration remains unclear.